The following is an entry in ClinVar:

NM_016653.3(MAP3K20):c.987+4066A>T

Genes: MAP3K20 (mitogen-activated protein kinase kinase kinase 20; plus strand), MAP3K20-AS1 (MAP3K20 antisense RNA 1; minus strand). Cytogenetic location: 2q31.1.
Variant type: single nucleotide variant.
Coding change: c.987+4066A>T on transcript NM_016653.3 (MANE Select); 4066 bases into the intron after coding-DNA position 987, A replaced by T.
Molecular consequence: intron variant. On other transcripts: missense variant (1).
Genome position (GRCh38, 1-based): chr2:173,221,316, A>T. VCF-style: chr2-173221316-A-T. GRCh37 (hg19) VCF-style: chr2-174086044-A-T.
Other names: c.1154A>T, p.Asp385Val (NM_133646.3); short protein forms D385V.
Identifiers: ClinVar variation 1675811 (VCV001675811.33), dbSNP rs150106568, ClinGen allele CA1970642.
Genomic context (GRCh38, chr2:173,221,316, plus strand): 5'-ACGGGGAGGGCCATGGCATGAACCCAAGTCTGCAGGCCATGATGCTGATGGGCTTTGGGG[A>T]TATCTTCTCAATGAACAAAGCAGGAGCTGTGATGCATTCTGGGATGCAGATAAACATGCA-3'

ClinVar aggregate classification (germline): Uncertain significance (1 of 4 stars; one submission).

Allele frequency attached by ClinVar (database versions not stated): ExAC 0.00007; gnomAD exomes 0.00010; TOPMed 0.00011; gnomAD 0.00015; ESP Exome Variant Server 0.00031.
gnomAD v4.1: 400 of 1,613,664 alleles (0.025%); highest among the groups gnomAD compares: Non-Finnish European, 0.032%; no homozygotes.

Submission:

CeGaT Center for Human Genetics Tuebingen
Classification: Uncertain significance. Last evaluated: 2025-11-01. Review status: criteria provided, single submitter. Criteria: CeGaT Center For Human Genetics Tuebingen Variant Classification Criteria Version 2. Collection method: clinical testing. Allele origin: germline. Affected: yes. Observed: 2 variant alleles.
Comment: MAP3K20: PM2, BP4